The following is an entry in ClinVar:

NM_001098.3(ACO2):c.250C>T (p.Arg84Ter)

Gene: ACO2 (aconitase 2; plus strand). Cytogenetic location: 22q13.2.
Variant type: single nucleotide variant.
Coding change: c.250C>T on transcript NM_001098.3 (MANE Select); coding-DNA position 250, C replaced by T.
Protein change: p.Arg84Ter; replaces arginine 84 with a stop codon.
Molecular consequence: nonsense.
Genome position (GRCh38, 1-based): chr22:41,507,867, C>T. VCF-style: chr22-41507867-C-T. GRCh37 (hg19) VCF-style: chr22-41903871-C-T.
Other names: short protein forms R84*.
Identifiers: ClinVar variation 64477 (VCV000064477.52), dbSNP rs387907389, ClinGen allele CA216229.

ClinVar aggregate classification (germline): Pathogenic. Review status: criteria provided, multiple submitters, no conflicts (2 of 4 stars). 3 submissions from 3 submitters: Pathogenic (2). 1 of the submissions does not count toward it. Last evaluated 2022-07-25.

Allele frequency attached by ClinVar (database versions not stated): gnomAD exomes below 0.00001.
gnomAD v4.1: 1 of 1,614,190 alleles (0.000062%); highest among the groups gnomAD compares: Non-Finnish European, 0.000085%; no homozygotes.

Submissions (3):

Labcorp Genetics (formerly Invitae), Labcorp
Classification: Pathogenic. Last evaluated: 2022-07-25. Review status: criteria provided, single submitter. Criteria: Invitae Variant Classification Sherloc (09022015). Collection method: clinical testing. Allele origin: germline.
Comment: This sequence change creates a premature translational stop signal (p.Arg84*) in the ACO2 gene. It is expected to result in an absent or disrupted protein product. Loss-of-function variants in ACO2 are known to be pathogenic (PMID: 30689204, 32519519). This variant is not present in population databases (gnomAD no frequency). This variant has not been reported in the literature in individuals affected with ACO2-related conditions. ClinVar contains an entry for this variant (Variation ID: 64477). Algorithms developed to predict the effect of sequence changes on RNA splicing suggest that this variant may create or strengthen a splice site. For these reasons, this variant has been classified as Pathogenic.

CeGaT Center for Human Genetics Tuebingen
Classification: Pathogenic. Last evaluated: 2018-12-01. Review status: criteria provided, single submitter. Criteria: CeGaT Center For Human Genetics Tuebingen Variant Classification Criteria Version 2. Collection method: clinical testing. Allele origin: germline. Affected: yes. Observed: 1 variant allele.

Martin Pollak Laboratory,  Beth Israel Deaconess Medical Center
Classification: Uncertain significance. Review status: no assertion criteria provided. Collection method: not provided. Allele origin: unknown. Not counted in ClinVar's aggregate classification.
Comment: Lower UCa2+ group
ClinVar note: Converted during submission from unknown to Uncertain significance.

Literature cited by the submitters: PubMed 30689204 (cited by Labcorp Genetics (formerly Invitae), Labcorp); PubMed 32519519 (cited by Labcorp Genetics (formerly Invitae), Labcorp).